The following is an entry in ClinVar:

NM_005876.5(SPEG):c.1800G>C (p.Arg600=)

Gene: SPEG (striated muscle enriched protein kinase; plus strand). Cytogenetic location: 2q35.
Variant type: single nucleotide variant.
Coding change: c.1800G>C on transcript NM_005876.5 (MANE Select); coding-DNA position 1800, G replaced by C.
Protein change: p.Arg600=; no amino-acid change (arginine 600 retained).
Molecular consequence: synonymous variant.
Genome position (GRCh38, 1-based): chr2:219,448,958, G>C. VCF-style: chr2-219448958-G-C. GRCh37 (hg19) VCF-style: chr2-220313680-G-C.
Other names: p.Arg600=.
Identifiers: ClinVar variation 287262 (VCV000287262.16), dbSNP rs60593157, ClinGen allele CA2125712.

ClinVar aggregate classification (germline): Benign. Review status: criteria provided, multiple submitters, no conflicts (2 of 4 stars). 5 submissions from 5 submitters: Benign (5). Last evaluated 2026-02-03.

Allele frequency attached by ClinVar (database versions not stated): gnomAD 0.07441 and 0.07755; gnomAD exomes 0.04067 and 0.03105; 1000 Genomes Project 0.07049; TOPMed 0.08075; ESP Exome Variant Server 0.05775; 1000 Genomes Project 30x 0.07292; ExAC 0.09901.
gnomAD v4.1: 66,962 of 1,511,136 alleles (4.4%); highest among the groups gnomAD compares: African/African-American, 17%; 2,193 homozygotes.

Submissions (5):

Labcorp Genetics (formerly Invitae), Labcorp
Classification: Benign. Last evaluated: 2026-02-03. Review status: criteria provided, single submitter. Criteria: Invitae Variant Classification Sherloc (09022015). Collection method: clinical testing. Allele origin: germline.

Mayo Clinic Laboratories, Mayo Clinic
Classification: Benign. Last evaluated: 2021-09-13. Review status: criteria provided, single submitter. Criteria: ACMG Guidelines, 2015. Collection method: clinical testing. Allele origin: germline. Observed: 39 variant alleles.
Comment: BA1

GeneDx
Classification: Benign. Last evaluated: 2019-04-10. Review status: criteria provided, single submitter. Criteria: GeneDx Variant Classification Process June 2021. Collection method: clinical testing. Allele origin: germline. Affected: yes.

Eurofins Ntd Llc (ga)
Classification: Benign. Last evaluated: 2016-03-30. Review status: criteria provided, single submitter. Criteria: EGL Classification Definitions 2015. Collection method: clinical testing. Allele origin: germline. Observed: 1 variant allele, 1 heterozygote.

Breakthrough Genomics
Classification: Benign. Review status: criteria provided, single submitter. Criteria: ACMG Guidelines, 2015. Collection method: not provided. Allele origin: germline. Inheritance: Autosomal recessive inheritance. Affected: yes.